The following is an entry in ClinVar:

NM_003611.3(OFD1):c.72C>A (p.Tyr24Ter)

Genes: OFD1 (OFD1 centriole and centriolar satellite protein; plus strand), LOC126863212 (CDK7 strongly-dependent group 2 enhancer GRCh37_chrX:13752241-13753440; plus strand). Cytogenetic location: Xp22.2.
Variant type: single nucleotide variant.
Coding change: c.72C>A on transcript NM_003611.3 (MANE Select); coding-DNA position 72, C replaced by A.
Protein change: p.Tyr24Ter; replaces tyrosine 24 with a stop codon.
Molecular consequence: nonsense. On other transcripts: 5 prime UTR variant (1).
Genome position (GRCh38, 1-based): chrX:13,735,307, C>A. VCF-style: chrX-13735307-C-A. GRCh37 (hg19) VCF-style: chrX-13753426-C-A.
Other names: c.72C>A, p.Tyr24Ter (NM_001330209.2); c.-474C>A (NM_001330210.2); short protein forms Y24*.
Identifiers: ClinVar variation 280551 (VCV000280551.2), dbSNP rs886041737, ClinGen allele CA10603408.
Genomic context (GRCh38, chrX:13,735,307, plus strand): 5'-GTCCAACATGTTTACCGTGGCTGATGTGTTGAGTCAAGATGAACTGCGCAAAAAGCTATA[C>A]CAGACGTTTAAGGATCGGGGTATACTGGATACACTCAAGGTATCGGATTTAGGCGTATCT-3'

ClinVar aggregate classification (germline): Pathogenic (1 of 4 stars; one submission).

Submission:

GeneDx
Classification: Pathogenic. Last evaluated: 2017-01-04. Review status: criteria provided, single submitter. Criteria: GeneDx Variant Classification (06012015). Collection method: clinical testing. Allele origin: germline. Affected: yes.
Comment: The Y24X nonsense variant in the OFD1 gene is predicted to cause loss of normal protein function either through protein truncation or nonsense-mediated mRNA decay. It was not observed in approximately 6,500 individuals of European and African American ancestry in the NHLBI Exome Sequencing Project, indicating it is not a common benign variant in these populations. Multiple other nonsense variants downstream of this position have been reported in the Human Gene Mutation Database in association with OFD1-related disorders (Stenson et al., 2014). Although this pathogenic variant has not been reported previously to our knowledge, its presence is consistent with a diagnosis of an OFD1-related disorder